The following is an entry in ClinVar:

NM_015909.4(NBAS):c.1241C>T (p.Ser414Phe)

Gene: NBAS (NBAS subunit of NRZ tethering complex; minus strand). Cytogenetic location: 2p24.3.
Variant type: single nucleotide variant.
Coding change: c.1241C>T on transcript NM_015909.4 (MANE Select); coding-DNA position 1241, C replaced by T.
Protein change: p.Ser414Phe; replaces serine 414 with phenylalanine.
Molecular consequence: missense variant. On other transcripts: non-coding transcript variant (1).
Genome position (GRCh38, 1-based): chr2:15,475,787, G>A on the plus strand (C>T on the coding strand, the complement: NBAS is on the minus strand). VCF-style: chr2-15475787-G-A. GRCh37 (hg19) VCF-style: chr2-15615911-G-A.
Other names: c.1241C>T (NM_015909.3); short protein forms S414F.
Identifiers: ClinVar variation 3907201 (VCV003907201.2).
Genomic context (GRCh38, chr2:15,475,787, plus strand): 5'-TGAGGTGATGGTTCAAACCATTCACAGGATTTTCCCAGTAAATTCTTCAAAGTTTTCACA[G>A]ATGAAACAGTTAAAGCACCAGAGCATCGAGCTAAAGTCACTGCACTGTCTGCCCACCAAT-3'
Protein context (NP_056993.2, residues 404-424): ARCSGALTVS[Ser414Phe]VKTLKNLLGK

ClinVar aggregate classification (germline): Conflicting classifications of pathogenicity. Review status: criteria provided, conflicting classifications (1 of 4 stars). 2 submissions from 2 submitters: Likely pathogenic (1); Uncertain significance (1). Last evaluated 2025-06-11.

gnomAD v4.1: 2 of 1,614,054 alleles (0.00012%); highest among the groups gnomAD compares: Non-Finnish European, 0.00017%; no homozygotes.

Submissions (2):

Women's Health and Genetics/Laboratory Corporation of America, LabCorp
Classification: Uncertain significance. Last evaluated: 2025-06-11. Review status: criteria provided, single submitter. Criteria: LabCorp Variant Classification Summary - May 2015. Collection method: clinical testing. Allele origin: germline.
Comment: Variant summary: NBAS c.1241C>T (p.Ser414Phe) results in a non-conservative amino acid change in the encoded protein sequence. Algorithms developed to predict the effect of missense changes on protein structure and function are either unavailable or do not agree on the potential impact of this missense change. The variant was absent in 251256 control chromosomes. c.1241C>T has been observed in compound heterozygous individuals affected with Short stature, optic nerve atrophy, and Pelger-Huet anomaly (Staufner_2020). These data indicate that the variant may be associated with disease. To our knowledge, no experimental evidence demonstrating an impact on protein function has been reported. The following publications have been ascertained in the context of this evaluation (PMID: 38244286, 37976411, 34386911, 31761904). No submitters have cited clinical-significance assessments for this variant to ClinVar. Based on the evidence outlined above, the variant was classified as VUS-possibly pathogenic.

GeneDx
Classification: Likely pathogenic. Last evaluated: 2025-01-21. Review status: criteria provided, single submitter. Criteria: GeneDx Variant Classification Process June 2021. Collection method: clinical testing. Allele origin: germline. Affected: yes.
Comment: Not observed at significant frequency in large population cohorts (gnomAD); In silico analysis supports that this missense variant has a deleterious effect on protein structure/function; This variant is associated with the following publications: (PMID: 31761904, 38244286, 37976411)

Literature cited by the submitters: PubMed 31761904 (cited by Women's Health and Genetics/Laboratory Corporation of America, LabCorp); PubMed 34386911 (cited by Women's Health and Genetics/Laboratory Corporation of America, LabCorp); PubMed 38244286 (cited by Women's Health and Genetics/Laboratory Corporation of America, LabCorp); PubMed 37976411 (cited by Women's Health and Genetics/Laboratory Corporation of America, LabCorp).